The following is an entry in ClinVar:

NM_198252.3(GSN):c.1960G>A (p.Asp654Asn)

Gene: GSN (gelsolin; plus strand). Cytogenetic location: 9q33.2.
Variant type: single nucleotide variant.
Coding change: c.1960G>A on transcript NM_198252.3 (MANE Select); coding-DNA position 1960, G replaced by A.
Protein change: p.Asp654Asn; replaces aspartic acid 654 with asparagine.
Molecular consequence: missense variant.
Genome position (GRCh38, 1-based): chr9:121,329,310, G>A. VCF-style: chr9-121329310-G-A. GRCh37 (hg19) VCF-style: chr9-124091588-G-A.
Other names: c.2113G>A, p.Asp705Asn (NM_000177.5); c.1960G>A, p.Asp654Asn (NM_001127662.2, NM_001127664.2, NM_001127665.2 and 10 more transcripts); c.2068G>A, p.Asp690Asn (NM_001127663.2); c.1993G>A, p.Asp665Asn (NM_001127666.2, NM_001127667.2, NM_001353063.2 and 13 more transcripts); c.2011G>A, p.Asp671Asn (NM_001258029.2); c.1984G>A, p.Asp662Asn (NM_001258030.2); c.2032G>A, p.Asp678Asn (NM_001353076.2); c.1306G>A, p.Asp436Asn (NM_001353078.2); short protein forms D654N, D705N, D662N, D678N, D436N, D665N, D671N, D690N.
Identifiers: ClinVar variation 2961821 (VCV002961821.3), dbSNP rs377710586, ClinGen allele CA374758440.

ClinVar aggregate classification (germline): Uncertain significance (1 of 4 stars; one submission).

Allele frequency attached by ClinVar (database versions not stated): TOPMed below 0.00001.
gnomAD v4.1: 2 of 1,590,288 alleles (0.00013%); highest among the groups gnomAD compares: African/African-American, 0.0027%; no homozygotes.

Submission:

Labcorp Genetics (formerly Invitae), Labcorp
Classification: Uncertain significance. Last evaluated: 2023-12-05. Review status: criteria provided, single submitter. Criteria: Invitae Variant Classification Sherloc (09022015). Collection method: clinical testing. Allele origin: germline.
Comment: This sequence change replaces aspartic acid, which is acidic and polar, with asparagine, which is neutral and polar, at codon 705 of the GSN protein (p.Asp705Asn). This variant is not present in population databases (gnomAD no frequency). This variant has not been reported in the literature in individuals affected with GSN-related conditions. Advanced modeling of protein sequence and biophysical properties (such as structural, functional, and spatial information, amino acid conservation, physicochemical variation, residue mobility, and thermodynamic stability) performed at Invitae indicates that this missense variant is not expected to disrupt GSN protein function with a negative predictive value of 80%. In summary, the available evidence is currently insufficient to determine the role of this variant in disease. Therefore, it has been classified as a Variant of Uncertain Significance.